The following is an entry in ClinVar:

ClinVar aggregate classification (germline): Uncertain significance (1 of 4 stars; one submission).

Conditions:
Inborn genetic diseases. Identifiers: MedGen C0950123, MeSH D030342.

Submission:

Ambry Genetics
Classification: Uncertain significance for Inborn genetic diseases. Last evaluated: 2026-07-26. Review status: criteria provided, single submitter. Criteria: Ambry Variant Classification Scheme 2023. Collection method: clinical testing. Allele origin: germline.
Comment: The p.D1152H variant (also known as c.3454G>C), located in coding exon 24 of the ANKRD26 gene, results from a G to C substitution at nucleotide position 3454. The aspartic acid at codon 1152 is replaced by histidine, an amino acid with similar properties. This amino acid position is conserved. In addition, this alteration is predicted to be tolerated by in silico analysis. Based on the available evidence, the clinical significance of this variant remains unclear.

NM_014915.3(ANKRD26):c.3454G>C (p.Asp1152His)

Gene: ANKRD26 (ankyrin repeat domain 26; minus strand). Cytogenetic location: 10p12.1.
Variant type: single nucleotide variant.
Coding change: c.3454G>C on transcript NM_014915.3 (MANE Select); coding-DNA position 3454, G replaced by C.
Protein change: p.Asp1152His; replaces aspartic acid 1152 with histidine.
Molecular consequence: missense variant.
Genome position (GRCh38, 1-based): chr10:27,034,996, C>G on the plus strand (G>C on the coding strand, the complement: ANKRD26 is on the minus strand). VCF-style: chr10-27034996-C-G. GRCh37 (hg19) VCF-style: chr10-27323925-C-G.
Other names: c.3451G>C, p.Asp1151His (NM_001256053.2); short protein forms D1151H, D1152H.
Identifiers: ClinVar variation 5023320 (VCV005023320.1).